The following is an entry in ClinVar:

ClinVar aggregate classification (germline): Uncertain significance (0 of 4 stars; one submission).

Conditions:
MTOR-related disorder. Also called: MTOR-related condition.

gnomAD v4.1: 8 of 1,612,064 alleles (0.0005%); highest among the groups gnomAD compares: Non-Finnish European, 0.00059%; no homozygotes.

Submission:

PreventionGenetics, part of Exact Sciences
Classification: Uncertain significance for MTOR-related condition. Last evaluated: 2024-05-23. Review status: no assertion criteria provided. Collection method: clinical testing. Allele origin: germline.
Comment: The MTOR c.3395G>A variant is predicted to result in the amino acid substitution p.Arg1132Gln. To our knowledge, this variant has not been reported in the literature. This variant is reported in 0.0033% of alleles in individuals of South Asian descent in gnomAD. At this time, the clinical significance of this variant is uncertain due to the absence of conclusive functional and genetic evidence.

NM_004958.4(MTOR):c.3395G>A (p.Arg1132Gln)

Gene: MTOR (mechanistic target of rapamycin kinase; minus strand). Cytogenetic location: 1p36.22.
Variant type: single nucleotide variant.
Coding change: c.3395G>A on transcript NM_004958.4 (MANE Select); coding-DNA position 3395, G replaced by A.
Protein change: p.Arg1132Gln; replaces arginine 1132 with glutamine.
Molecular consequence: missense variant.
Genome position (GRCh38, 1-based): chr1:11,212,799, C>T on the plus strand (G>A on the coding strand, the complement: MTOR is on the minus strand). VCF-style: chr1-11212799-C-T. GRCh37 (hg19) VCF-style: chr1-11272856-C-T.
Other names: c.3395G>A, p.Arg1132Gln (NM_001386500.1); c.2147G>A, p.Arg716Gln (NM_001386501.1); short protein forms R1132Q, R716Q.
Identifiers: ClinVar variation 3351597 (VCV003351597.1).